The following is an entry in ClinVar:

NM_014332.3(SMPX):c.227T>C (p.Ile76Thr)

Gene: SMPX (small muscle protein X-linked; minus strand). Cytogenetic location: Xp22.12.
Variant type: single nucleotide variant.
Coding change: c.227T>C on transcript NM_014332.3 (MANE Select); coding-DNA position 227, T replaced by C.
Protein change: p.Ile76Thr; replaces isoleucine 76 with threonine.
Molecular consequence: missense variant. On other transcripts: non-coding transcript variant (1).
Genome position (GRCh38, 1-based): chrX:21,737,603, A>G on the plus strand (T>C on the coding strand, the complement: SMPX is on the minus strand). VCF-style: chrX-21737603-A-G. GRCh37 (hg19) VCF-style: chrX-21755721-A-G.
Other names: c.227T>C (NM_014332.1); short protein forms I76T.
Identifiers: ClinVar variation 1492127 (VCV001492127.7), dbSNP rs1472137937, ClinGen allele CA412562259.

ClinVar aggregate classification (germline): Uncertain significance. Review status: criteria provided, multiple submitters, no conflicts (2 of 4 stars). 2 submissions from 2 submitters: Uncertain significance (2). Last evaluated 2024-09-25.

Conditions:
Inborn genetic diseases. Identifiers: MedGen C0950123, MeSH D030342.

Allele frequency attached by ClinVar (database versions not stated): gnomAD exomes below 0.00001 and 0.00001; TOPMed 0.00001.
gnomAD v4.1: 5 of 1,205,020 alleles (0.00041%); highest among the groups gnomAD compares: Non-Finnish European, 0.00056%; no homozygotes.

Submissions (2):

Ambry Genetics
Classification: Uncertain significance for Inborn genetic diseases. Last evaluated: 2024-09-25. Review status: criteria provided, single submitter. Criteria: Ambry Variant Classification Scheme 2023. Collection method: clinical testing. Allele origin: germline.

Labcorp Genetics (formerly Invitae), Labcorp
Classification: Uncertain significance. Last evaluated: 2021-12-11. Review status: criteria provided, single submitter. Criteria: Invitae Variant Classification Sherloc (09022015). Collection method: clinical testing. Allele origin: germline.
Comment: In summary, the available evidence is currently insufficient to determine the role of this variant in disease. Therefore, it has been classified as a Variant of Uncertain Significance. Algorithms developed to predict the effect of missense changes on protein structure and function are either unavailable or do not agree on the potential impact of this missense change (SIFT: "Deleterious"; PolyPhen-2: "Benign"; Align-GVGD: "Class C25"). This variant has not been reported in the literature in individuals affected with SMPX-related conditions. This variant is present in population databases (no rsID available, gnomAD 0.003%). This sequence change replaces isoleucine, which is neutral and non-polar, with threonine, which is neutral and polar, at codon 76 of the SMPX protein (p.Ile76Thr).